The following is an entry in ClinVar:

NM_001040108.2(MLH3):c.350T>C (p.Met117Thr)

Gene: MLH3 (mutL homolog 3; minus strand). Cytogenetic location: 14q24.3.
Variant type: single nucleotide variant.
Coding change: c.350T>C on transcript NM_001040108.2 (MANE Select); coding-DNA position 350, T replaced by C.
Protein change: p.Met117Thr; replaces methionine 117 with threonine.
Molecular consequence: missense variant.
Genome position (GRCh38, 1-based): chr14:75,049,306, A>G on the plus strand (T>C on the coding strand, the complement: MLH3 is on the minus strand). VCF-style: chr14-75049306-A-G. GRCh37 (hg19) VCF-style: chr14-75516009-A-G.
Other names: c.350T>C, p.Met117Thr (NM_014381.3); short protein forms M117T.
Identifiers: ClinVar variation 2497061 (VCV002497061.2), dbSNP rs750456511, ClinGen allele CA7276049.

ClinVar aggregate classification (germline): Uncertain significance (1 of 4 stars; one submission).

Allele frequency attached by ClinVar (database versions not stated): gnomAD exomes below 0.00001; ExAC 0.00001.

Submission:

Ambry Genetics
Classification: Uncertain significance. Last evaluated: 2023-01-16. Review status: criteria provided, single submitter. Criteria: Ambry Variant Classification Scheme 2023. Collection method: clinical testing. Allele origin: germline.
Comment: The p.M117T variant (also known as c.350T>C), located in coding exon 1 of the MLH3 gene, results from a T to C substitution at nucleotide position 350. The methionine at codon 117 is replaced by threonine, an amino acid with similar properties. This amino acid position is conserved. In addition, this alteration is predicted to be tolerated by in silico analysis. Since supporting evidence is limited at this time, the clinical significance of this alteration remains unclear.